The following is an entry in ClinVar:

ClinVar aggregate classification (germline): Uncertain significance. Review status: criteria provided, multiple submitters, no conflicts (2 of 4 stars). 3 submissions from 3 submitters: Uncertain significance (3). Last evaluated 2026-03-03.

Conditions:
Hypertrophic cardiomyopathy. Also called: HYPERTROPHIC MYOCARDIOPATHY. Identifiers: Orphanet 217569, MedGen C0007194, MeSH D002312, MONDO:0005045, HP:0001639.
Cardiomyopathy (CMYO). Also called: Cardiomyopathies. Identifiers: Orphanet 167848, MedGen C0878544, MONDO:0004994, HP:0001638. Inheritance: Various modes of inheritance.

Allele frequency attached by ClinVar (database versions not stated): gnomAD exomes 0.00001; TOPMed 0.00001; ExAC 0.00005.
gnomAD v4.1: 5 of 1,545,004 alleles (0.00032%); highest among the groups gnomAD compares: Middle Eastern, 0.019%; no homozygotes.

Submissions (3):

GeneDx
Classification: Uncertain significance. Last evaluated: 2026-03-03. Review status: criteria provided, single submitter. Criteria: GeneDx Variant Classification Process June 2021. Collection method: clinical testing. Allele origin: germline.
Comment: In silico analysis supports that this missense variant has a deleterious effect on protein structure/function; Has not been previously published as pathogenic or benign to our knowledge

Color Diagnostics, LLC DBA Color Health
Classification: Uncertain significance for Cardiomyopathy. Last evaluated: 2021-01-15. Review status: criteria provided, single submitter. Criteria: ACMG Guidelines, 2015. Collection method: clinical testing. Allele origin: germline.
Comment: This missense variant replaces leucine with proline at codon 901 of the MYBPC3 protein. Computational prediction suggests that this variant may have deleterious impact on protein structure and function (internally defined REVEL score threshold >= 0.7, PMID: 27666373). To our knowledge, functional studies have not been reported for this variant. This variant has not been reported in individuals affected with cardiovascular disorders in the literature. This variant has not been identified in the general population by the Genome Aggregation Database (gnomAD). The available evidence is insufficient to determine the role of this variant in disease conclusively. Therefore, this variant is classified as a Variant of Uncertain Significance.

Labcorp Genetics (formerly Invitae), Labcorp
Classification: Uncertain significance for Hypertrophic cardiomyopathy. Last evaluated: 2019-10-18. Review status: criteria provided, single submitter. Criteria: Invitae Variant Classification Sherloc (09022015). Collection method: clinical testing. Allele origin: germline.
Comment: This sequence change replaces leucine with proline at codon 901 of the MYBPC3 protein (p.Leu901Pro). The leucine residue is highly conserved and there is a moderate physicochemical difference between leucine and proline. This variant is present in population databases (rs767113733, ExAC 0.09%). This variant has not been reported in the literature in individuals with MYBPC3-related conditions. Algorithms developed to predict the effect of missense changes on protein structure and function (SIFT, PolyPhen-2, Align-GVGD) all suggest that this variant is likely to be disruptive, but these predictions have not been confirmed by published functional studies and their clinical significance is uncertain. In summary, the available evidence is currently insufficient to determine the role of this variant in disease. Therefore, it has been classified as a Variant of Uncertain Significance.

NM_000256.3(MYBPC3):c.2702T>C (p.Leu901Pro)

Gene: MYBPC3 (myosin binding protein C3; minus strand). Cytogenetic location: 11p11.2.
Variant type: single nucleotide variant.
Coding change: c.2702T>C on transcript NM_000256.3 (MANE Select); coding-DNA position 2702, T replaced by C.
Protein change: p.Leu901Pro; replaces leucine 901 with proline.
Molecular consequence: missense variant.
Genome position (GRCh38, 1-based): chr11:47,335,912, A>G on the plus strand (T>C on the coding strand, the complement: MYBPC3 is on the minus strand). VCF-style: chr11-47335912-A-G. GRCh37 (hg19) VCF-style: chr11-47357463-A-G.
Other names: short protein forms L901P.
Identifiers: ClinVar variation 964827 (VCV000964827.12), dbSNP rs767113733, ClinGen allele CA078914.